The following is an entry in ClinVar:

ClinVar aggregate classification (germline): Conflicting classifications of pathogenicity. Review status: criteria provided, conflicting classifications (1 of 4 stars). 4 submissions from 4 submitters: Uncertain significance (3); Likely benign (1). Last evaluated 2026-03-04.

Conditions:
ADGRV1-related disorder. Also called: ADGRV1-related condition; ADGRV1-related disorders.

Allele frequency attached by ClinVar (database versions not stated): ExAC 0.00001; gnomAD 0.00002; gnomAD exomes 0.00002 and 0.00004; TOPMed 0.00004.
gnomAD v4.1: 65 of 1,606,932 alleles (0.004%); highest among the groups gnomAD compares: Non-Finnish European, 0.0054%; no homozygotes.

Submissions (4):

PreventionGenetics, part of Exact Sciences
Classification: Uncertain significance for ADGRV1-related condition. Last evaluated: 2026-03-04. Review status: criteria provided, single submitter. Criteria: ACMG Guidelines, 2015. Collection method: clinical testing. Allele origin: germline.
Comment: The ADGRV1 c.5381A>G variant is predicted to result in the amino acid substitution p.Asp1794Gly. To our knowledge, this variant has not been reported in the literature. This variant is reported in 0.0042% of alleles in individuals of African descent in gnomAD. At this time, the clinical significance of this variant is uncertain due to the absence of conclusive functional and genetic evidence.

Women's Health and Genetics/Laboratory Corporation of America, LabCorp
Classification: Uncertain significance. Last evaluated: 2025-12-09. Review status: criteria provided, single submitter. Criteria: LabCorp Variant Classification Summary - May 2015. Collection method: clinical testing. Allele origin: germline.
Comment: Variant summary: ADGRV1 c.5381A>G (p.Asp1794Gly) results in a non-conservative amino acid change in the encoded protein sequence. Algorithms developed to predict the effect of missense changes on protein structure and function are either unavailable or do not agree on the potential impact of this missense change. The variant allele was found at a frequency of 4.1e-05 in 1600086 control chromosomes (gnomAD). This frequency is not significantly higher than estimated for disease-causing variants in ADGRV1, allowing no conclusion about variant significance. To our knowledge, no occurrence of c.5381A>G in individuals affected with ADGRV1-related conditions and no experimental evidence demonstrating its impact on protein function have been reported. ClinVar contains an entry for this variant (Variation ID: 1472721). Based on the evidence outlined above, the variant was classified as uncertain significance.

Labcorp Genetics (formerly Invitae), Labcorp
Classification: Likely benign. Last evaluated: 2025-04-16. Review status: criteria provided, single submitter. Criteria: Invitae Variant Classification Sherloc (09022015). Collection method: clinical testing. Allele origin: germline.

Blueprint Genetics
Classification: Uncertain significance. Last evaluated: 2021-07-05. Review status: criteria provided, single submitter. Criteria: ACMG Guidelines, 2015. Collection method: clinical testing. Allele origin: germline.

NM_032119.4(ADGRV1):c.5381A>G (p.Asp1794Gly)

Gene: ADGRV1 (adhesion G protein-coupled receptor V1; plus strand). Cytogenetic location: 5q14.3.
Variant type: single nucleotide variant.
Coding change: c.5381A>G on transcript NM_032119.4 (MANE Select); coding-DNA position 5381, A replaced by G.
Protein change: p.Asp1794Gly; replaces aspartic acid 1794 with glycine.
Molecular consequence: missense variant. On other transcripts: non-coding transcript variant (1).
Genome position (GRCh38, 1-based): chr5:90,676,147, A>G. VCF-style: chr5-90676147-A-G. GRCh37 (hg19) VCF-style: chr5-89971964-A-G.
Other names: c.5381A>G (NM_032119.3); short protein forms D1794G.
Identifiers: ClinVar variation 1472721 (VCV001472721.11), dbSNP rs747001128, ClinGen allele CA3339555.
Genomic context (GRCh38, chr5:90,676,147, plus strand): 5'-CTGGCACATTAGAATTTCAACCAGGAGAAAGATATAAATACATTTTCATAAACATCACTG[A>G]TAATTCTATTCCTGAACTGGAAAAATCTTTTAAAGTTGAGTTGTTAAACTTGGAAGGAGG-3'
Protein context (NP_115495.3, residues 1784-1804): RYKYIFINIT[Asp1794Gly]NSIPELEKSF